The following is an entry in ClinVar:

NM_001386795.1(DTNA):c.209T>C (p.Leu70Pro)

Gene: DTNA (dystrobrevin alpha; plus strand). Cytogenetic location: 18q12.1.
Variant type: single nucleotide variant.
Coding change: c.209T>C on transcript NM_001386795.1 (MANE Select); coding-DNA position 209, T replaced by C.
Protein change: p.Leu70Pro; replaces leucine 70 with proline.
Molecular consequence: missense variant.
Genome position (GRCh38, 1-based): chr18:34,794,097, T>C. VCF-style: chr18-34794097-T-C. GRCh37 (hg19) VCF-style: chr18-32374061-T-C.
Other names: c.209T>C, p.Leu70Pro (NM_001128175.2, NM_001198938.2, NM_001198939.2 and 35 more transcripts); short protein forms L70P.
Identifiers: ClinVar variation 411862 (VCV000411862.10), dbSNP rs1060503523, ClinGen allele CA16615791.

ClinVar aggregate classification (germline): Uncertain significance. Review status: criteria provided, multiple submitters, no conflicts (2 of 4 stars). 2 submissions from 2 submitters: Uncertain significance (2). Last evaluated 2024-11-18.

Conditions:
Left ventricular noncompaction 1 (LVNC1). Also called: LEFT VENTRICULAR NONCOMPACTION 1 WITH OR WITHOUT CONGENITAL HEART DEFECTS. Identifiers: Orphanet 54260, MedGen C1858725, MONDO:0011403, OMIM 604169.

Submissions (2):

Labcorp Genetics (formerly Invitae), Labcorp
Classification: Uncertain significance for Left ventricular noncompaction 1. Last evaluated: 2024-11-18. Review status: criteria provided, single submitter. Criteria: Invitae Variant Classification Sherloc (09022015). Collection method: clinical testing. Allele origin: germline.
Comment: This sequence change replaces leucine, which is neutral and non-polar, with proline, which is neutral and non-polar, at codon 70 of the DTNA protein (p.Leu70Pro). This variant is not present in population databases (gnomAD no frequency). This variant has not been reported in the literature in individuals affected with DTNA-related conditions. ClinVar contains an entry for this variant (Variation ID: 411862). Invitae Evidence Modeling of protein sequence and biophysical properties (such as structural, functional, and spatial information, amino acid conservation, physicochemical variation, residue mobility, and thermodynamic stability) indicates that this missense variant is not expected to disrupt DTNA protein function with a negative predictive value of 80%. In summary, the available evidence is currently insufficient to determine the role of this variant in disease. Therefore, it has been classified as a Variant of Uncertain Significance.

AiLife Diagnostics
Classification: Uncertain significance. Last evaluated: 2022-01-07. Review status: criteria provided, single submitter. Criteria: ACMG Guidelines, 2015. Collection method: clinical testing. Allele origin: germline. Affected: yes. Observed: 1 variant allele.